The following is an entry in ClinVar:

NM_030665.4(RAI1):c.3689C>A (p.Ala1230Glu)

Gene: RAI1 (retinoic acid induced 1; plus strand). Cytogenetic location: 17p11.2.
Variant type: single nucleotide variant.
Coding change: c.3689C>A on transcript NM_030665.4 (MANE Select); coding-DNA position 3689, C replaced by A.
Protein change: p.Ala1230Glu; replaces alanine 1230 with glutamic acid.
Molecular consequence: missense variant.
Genome position (GRCh38, 1-based): chr17:17,796,637, C>A. VCF-style: chr17-17796637-C-A. GRCh37 (hg19) VCF-style: chr17-17699951-C-A.
Other names: short protein forms A1230E.
Identifiers: ClinVar variation 501314 (VCV000501314.18), dbSNP rs374187267, ClinGen allele CA8418786.

ClinVar aggregate classification (germline): Conflicting classifications of pathogenicity. Review status: criteria provided, conflicting classifications (1 of 4 stars). 4 submissions from 4 submitters: Uncertain significance (1); Likely benign (2). 1 of the submissions does not count toward it. Last evaluated 2025-05-05.

Conditions:
Inborn genetic diseases. Identifiers: MedGen C0950123, MeSH D030342.
RAI1-related disorder. Also called: RAI1-related condition.

Allele frequency attached by ClinVar (database versions not stated): gnomAD 0.00006; ESP Exome Variant Server 0.00008; TOPMed 0.00009.
gnomAD v4.1: 122 of 1,611,750 alleles (0.0076%); highest among the groups gnomAD compares: Non-Finnish European, 0.0098%; no homozygotes.

Submissions (4):

Labcorp Genetics (formerly Invitae), Labcorp
Classification: Likely benign. Last evaluated: 2025-05-05. Review status: criteria provided, single submitter. Criteria: Invitae Variant Classification Sherloc (09022015). Collection method: clinical testing. Allele origin: germline.

Ambry Genetics
Classification: Likely benign for Inborn genetic diseases. Last evaluated: 2021-09-01. Review status: criteria provided, single submitter. Criteria: Ambry Variant Classification Scheme 2023. Collection method: clinical testing. Allele origin: germline.

Eurofins Ntd Llc (ga)
Classification: Uncertain significance. Last evaluated: 2017-04-10. Review status: criteria provided, single submitter. Criteria: EGL Classification Definitions 2015. Collection method: clinical testing. Allele origin: germline. Observed: 1 variant allele, 1 heterozygote.

PreventionGenetics, part of Exact Sciences
Classification: Benign for RAI1-related condition. Last evaluated: 2023-12-07. Review status: no assertion criteria provided. Collection method: clinical testing. Allele origin: germline. Not counted in ClinVar's aggregate classification.
Comment: This variant is classified as benign based on ACMG/AMP sequence variant interpretation guidelines (Richards et al. 2015 PMID: 25741868, with internal and published modifications).